The following is an entry in ClinVar:

NM_182641.4(BPTF):c.613+4C>T

Genes: BPTF (bromodomain PHD finger transcription factor; plus strand), LOC130061496 (ATAC-STARR-seq lymphoblastoid active region 12632; plus strand). Cytogenetic location: 17q24.2.
Variant type: single nucleotide variant.
Coding change: c.613+4C>T on transcript NM_182641.4 (MANE Select); 4 bases into the intron after coding-DNA position 613, C replaced by T.
Molecular consequence: intron variant.
Genome position (GRCh38, 1-based): chr17:67,826,341, C>T. VCF-style: chr17-67826341-C-T. GRCh37 (hg19) VCF-style: chr17-65822457-C-T.
Other names: c.613+4C>T (NM_004459.7).
Identifiers: ClinVar variation 2758645 (VCV002758645.3), dbSNP rs1027370601, ClinGen allele CA293236931.

ClinVar aggregate classification (germline): Uncertain significance (1 of 4 stars; one submission).

Allele frequency attached by ClinVar (database versions not stated): gnomAD exomes below 0.00001; TOPMed below 0.00001.
gnomAD v4.1: 1 of 1,601,840 alleles (0.000062%); highest among the groups gnomAD compares: African/African-American, 0.0013%; no homozygotes.

Submission:

Labcorp Genetics (formerly Invitae), Labcorp
Classification: Uncertain significance. Last evaluated: 2023-10-06. Review status: criteria provided, single submitter. Criteria: Invitae Variant Classification Sherloc (09022015). Collection method: clinical testing. Allele origin: germline.
Comment: This sequence change falls in intron 1 of the BPTF gene. It does not directly change the encoded amino acid sequence of the BPTF protein. It affects a nucleotide within the consensus splice site. This variant is not present in population databases (gnomAD no frequency). This variant has not been reported in the literature in individuals affected with BPTF-related conditions. Variants that disrupt the consensus splice site are a relatively common cause of aberrant splicing (PMID: 17576681, 9536098). Algorithms developed to predict the effect of sequence changes on RNA splicing suggest that this variant is not likely to affect RNA splicing. In summary, the available evidence is currently insufficient to determine the role of this variant in disease. Therefore, it has been classified as a Variant of Uncertain Significance.

Literature cited by the submitters: PubMed 17576681; PubMed 9536098.